The following is an entry in ClinVar:

ClinVar aggregate classification (germline): Likely benign (0 of 4 stars; one submission).

Conditions:
PKD1L1-related disorder. Also called: PKD1L1-related condition.

Allele frequency attached by ClinVar (database versions not stated): TOPMed below 0.00001; gnomAD exomes 0.00001.
gnomAD v4.1: 20 of 1,613,032 alleles (0.0012%); highest among the groups gnomAD compares: Admixed American, 0.005%; no homozygotes.

Submission:

PreventionGenetics, part of Exact Sciences
Classification: Likely benign for PKD1L1-related condition. Last evaluated: 2021-08-31. Review status: no assertion criteria provided. Collection method: clinical testing. Allele origin: germline.
Comment: This variant is classified as likely benign based on ACMG/AMP sequence variant interpretation guidelines (Richards et al. 2015 PMID: 25741868, with internal and published modifications).

NM_138295.5(PKD1L1):c.6195C>G (p.Leu2065=)

Gene: PKD1L1 (polycystin 1 like 1, transient receptor potential channel interacting; minus strand). Cytogenetic location: 7p12.3.
Variant type: single nucleotide variant.
Coding change: c.6195C>G on transcript NM_138295.5 (MANE Select); coding-DNA position 6195, C replaced by G.
Protein change: p.Leu2065=; no amino-acid change (leucine 2065 retained).
Molecular consequence: synonymous variant.
Genome position (GRCh38, 1-based): chr7:47,833,232, G>C on the plus strand (C>G on the coding strand, the complement: PKD1L1 is on the minus strand). VCF-style: chr7-47833232-G-C. GRCh37 (hg19) VCF-style: chr7-47872830-G-C.
Identifiers: ClinVar variation 3054193 (VCV003054193.2), dbSNP rs749637769, ClinGen allele CA4252523.
Genomic context (GRCh38, chr7:47,833,232, plus strand): 5'-GGCTGGACAAGCTGTGCCATTGTCACTTGCCGCCTTCCTTTGGGCCCTGCCACTCCCAGA[G>C]AGAATGGCTGATGCAGGTTGCTAGAATGACAAGGTCATGCCAAGGTTAATATCTCCACAG-3'
Protein context (NP_612152.1, residues 2055-2075): EPRKQPASAI[Leu2065=]SGSGRAQRKA